The following is an entry in ClinVar:

ClinVar aggregate classification (germline): Uncertain significance. Review status: criteria provided, multiple submitters, no conflicts (2 of 4 stars). 2 submissions from 2 submitters: Uncertain significance (2). Last evaluated 2022-08-22.

Allele frequency attached by ClinVar (database versions not stated): gnomAD 0.00001; TOPMed 0.00001; gnomAD exomes 0.00002.
gnomAD v4.1: 33 of 1,580,882 alleles (0.0021%); highest among the groups gnomAD compares: Non-Finnish European, 0.0028%; no homozygotes.

Submissions (2):

Labcorp Genetics (formerly Invitae), Labcorp
Classification: Uncertain significance. Last evaluated: 2022-08-22. Review status: criteria provided, single submitter. Criteria: Invitae Variant Classification Sherloc (09022015). Collection method: clinical testing. Allele origin: germline.
Comment: This sequence change replaces lysine, which is basic and polar, with arginine, which is basic and polar, at codon 2058 of the MYO7A protein (p.Lys2058Arg). This variant is not present in population databases (gnomAD no frequency). This variant has not been reported in the literature in individuals affected with MYO7A-related conditions. ClinVar contains an entry for this variant (Variation ID: 43320). Advanced modeling of protein sequence and biophysical properties (such as structural, functional, and spatial information, amino acid conservation, physicochemical variation, residue mobility, and thermodynamic stability) performed at Invitae indicates that this missense variant is not expected to disrupt MYO7A protein function. In summary, the available evidence is currently insufficient to determine the role of this variant in disease. Therefore, it has been classified as a Variant of Uncertain Significance.

Laboratory for Molecular Medicine, Mass General Brigham Personalized Medicine
Classification: Uncertain significance. Last evaluated: 2008-03-01. Review status: criteria provided, single submitter. Criteria: LMM Criteria. Collection method: clinical testing. Allele origin: germline. Observed: 1 variant allele.

NM_000260.4(MYO7A):c.6173A>G (p.Lys2058Arg)

Gene: MYO7A (myosin VIIA; plus strand). Cytogenetic location: 11q13.5.
Variant type: single nucleotide variant.
Coding change: c.6173A>G on transcript NM_000260.4 (MANE Select); coding-DNA position 6173, A replaced by G.
Protein change: p.Lys2058Arg; replaces lysine 2058 with arginine.
Molecular consequence: missense variant.
Genome position (GRCh38, 1-based): chr11:77,211,273, A>G. VCF-style: chr11-77211273-A-G. GRCh37 (hg19) VCF-style: chr11-76922318-A-G.
Other names: c.6059A>G, p.Lys2020Arg (NM_001127180.2); c.6026A>G, p.Lys2009Arg (NM_001369365.1); short protein forms K2058R, K2020R, K2009R.
Identifiers: ClinVar variation 43320 (VCV000043320.8), dbSNP rs111033336, ClinGen allele CA132422.
Genomic context (GRCh38, chr11:77,211,273, plus strand): 5'-GGGCGCTGATCTACAGGGTCAAGTTCGAGGAGGACAAGTCCTACTTCCCCAGCATCCCCA[A>G]GCTGCTGCGGGAGCTGGTGCCCCAGGACCTTATCCGGCAGGTCTCACCTGATGACTGGAA-3'
Protein context (NP_000251.3, residues 2048-2068): EDKSYFPSIP[Lys2058Arg]LLRELVPQDL